The following is an entry in ClinVar:

NR_029422.2(RNU12):n.3G>C

Gene: RNU12 (RNA, U12 small nuclear; plus strand). Cytogenetic location: 22q13.2.
Variant type: single nucleotide variant.
Molecular consequence: non-coding transcript variant (on NR_029422.2).
Genome position: GRCh38 VCF-style: chr22-42615246-G-C. GRCh37 (hg19) VCF-style: chr22-43011252-G-C.
Identifiers: ClinVar variation 4281563 (VCV004281563.7).

ClinVar aggregate classification (germline): Uncertain significance (1 of 4 stars; one submission).

Submission:

CeGaT Center for Human Genetics Tuebingen
Classification: Uncertain significance. Last evaluated: 2025-09-01. Review status: criteria provided, single submitter. Criteria: CeGaT Center For Human Genetics Tuebingen Variant Classification Criteria Version 2. Collection method: clinical testing. Allele origin: germline. Affected: yes. Observed: 1 variant allele.
Comment: RNU12: PM2